The following is an entry in ClinVar:

ClinVar aggregate classification (germline): Likely benign. Review status: criteria provided, single submitter (1 of 4 stars). 2 submissions from 2 submitters: Likely benign (1). 1 of the submissions does not count toward it. Last evaluated 2024-10-22.

Conditions:
Proteosome-associated autoinflammatory syndrome. Also called: Proteasome-associated autoinflammatory syndrome. Identifiers: Orphanet 324977, MedGen C1850568, MONDO:0009726.
PSMB8-related disorder. Also called: PSMB8-related condition.

Allele frequency attached by ClinVar (database versions not stated): gnomAD exomes 0.00002 and 0.00003; gnomAD 0.00004; TOPMed 0.00002.

Submissions (2):

Labcorp Genetics (formerly Invitae), Labcorp
Classification: Likely benign for Proteosome-associated autoinflammatory syndrome. Last evaluated: 2024-10-22. Review status: criteria provided, single submitter. Criteria: Invitae Variant Classification Sherloc (09022015). Collection method: clinical testing. Allele origin: germline.

PreventionGenetics, part of Exact Sciences
Classification: Likely benign for PSMB8-related condition. Last evaluated: 2019-04-29. Review status: no assertion criteria provided. Collection method: clinical testing. Allele origin: germline. Not counted in ClinVar's aggregate classification.
Comment: This variant is classified as likely benign based on ACMG/AMP sequence variant interpretation guidelines (Richards et al. 2015 PMID: 25741868, with internal and published modifications).

NM_148919.4(PSMB8):c.384G>A (p.Glu128=)

Gene: PSMB8 (proteasome 20S subunit beta 8; minus strand). Cytogenetic location: 6p21.32.
Variant type: single nucleotide variant.
Coding change: c.384G>A on transcript NM_148919.4 (MANE Select); coding-DNA position 384, G replaced by A.
Protein change: p.Glu128=; no amino-acid change (glutamic acid 128 retained).
Molecular consequence: synonymous variant.
Genome position (GRCh38, 1-based): chr6:32,842,695, C>T on the plus strand (G>A on the coding strand, the complement: PSMB8 is on the minus strand). VCF-style: chr6-32842695-C-T. GRCh37 (hg19) VCF-style: chr6-32810472-C-T.
Other names: c.372G>A, p.Glu124= (NM_004159.5).
Identifiers: ClinVar variation 761028 (VCV000761028.10), dbSNP rs547664445, ClinGen allele CA137007924.